The following is an entry in ClinVar:

NM_001557.4(CXCR2):c.476G>A (p.Arg159His)

Gene: CXCR2 (C-X-C motif chemokine receptor 2; plus strand). Cytogenetic location: 2q35.
Variant type: single nucleotide variant.
Coding change: c.476G>A on transcript NM_001557.4 (MANE Select); coding-DNA position 476, G replaced by A.
Protein change: p.Arg159His; replaces arginine 159 with histidine.
Molecular consequence: missense variant.
Genome position (GRCh38, 1-based): chr2:218,135,277, G>A. VCF-style: chr2-218135277-G-A. GRCh37 (hg19) VCF-style: chr2-219000000-G-A.
Other names: c.476G>A, p.Arg159His (NM_001168298.2); short protein forms R159H.
Identifiers: ClinVar variation 1498442 (VCV001498442.6), dbSNP rs368809767, ClinGen allele CA2101713.
Genomic context (GRCh38, chr2:218,135,277, plus strand): 5'-GCATCAGTGTGGACCGTTACCTGGCCATTGTCCATGCCACACGCACACTGACCCAGAAGC[G>A]CTACTTGGTCAAATTCATATGTCTCAGCATCTGGGGTCTGTCCTTGCTCCTGGCCCTGCC-3'
Protein context (NP_001548.1, residues 149-169): VHATRTLTQK[Arg159His]YLVKFICLSI

ClinVar aggregate classification (germline): Uncertain significance (1 of 4 stars; one submission).

Allele frequency attached by ClinVar (database versions not stated): gnomAD 0.00001 and 0.00002; gnomAD exomes 0.00001; TOPMed 0.00001; ExAC 0.00002; ESP Exome Variant Server 0.00008.

Submission:

Labcorp Genetics (formerly Invitae), Labcorp
Classification: Uncertain significance. Last evaluated: 2023-11-28. Review status: criteria provided, single submitter. Criteria: Invitae Variant Classification Sherloc (09022015). Collection method: clinical testing. Allele origin: germline.
Comment: This sequence change replaces arginine, which is basic and polar, with histidine, which is basic and polar, at codon 159 of the CXCR2 protein (p.Arg159His). This variant is present in population databases (rs368809767, gnomAD 0.003%). This variant has not been reported in the literature in individuals affected with CXCR2-related conditions. ClinVar contains an entry for this variant (Variation ID: 1498442). An algorithm developed to predict the effect of missense changes on protein structure and function (PolyPhen-2) suggests that this variant is likely to be disruptive. In summary, the available evidence is currently insufficient to determine the role of this variant in disease. Therefore, it has been classified as a Variant of Uncertain Significance.